The following is an entry in ClinVar:

NM_001267550.2(TTN):c.11312-4960C>T

Gene: TTN (titin; minus strand). Cytogenetic location: 2q31.2.
Variant type: single nucleotide variant.
Coding change: c.11312-4960C>T on transcript NM_001267550.2 (MANE Select); 4960 bases into the intron before coding-DNA position 11312, C replaced by T.
Molecular consequence: intron variant. On other transcripts: synonymous variant (1).
Genome position (GRCh38, 1-based): chr2:178,746,881, G>A on the plus strand (C>T on the coding strand, the complement: TTN is on the minus strand). VCF-style: chr2-178746881-G-A. GRCh37 (hg19) VCF-style: chr2-179611608-G-A.
Other names: c.15519C>T, p.Ala5173= (NM_133379.5); c.10223-4960C>T (NM_003319.4); c.10799-4960C>T (NM_133437.4); c.10598-4960C>T (NM_133432.3); c.10360+6243C>T (NM_133378.4); c.10361-4960C>T (NM_001256850.1).
Identifiers: ClinVar variation 3771792 (VCV003771792.13).

ClinVar aggregate classification (germline): Likely benign (1 of 4 stars; one submission).

Submission:

CeGaT Center for Human Genetics Tuebingen
Classification: Likely benign. Last evaluated: 2025-01-01. Review status: criteria provided, single submitter. Criteria: CeGaT Center For Human Genetics Tuebingen Variant Classification Criteria Version 2. Collection method: clinical testing. Allele origin: germline. Affected: yes. Observed: 1 variant allele.
Comment: TTN: PM2:Supporting, BP4, BP7